The following is an entry in ClinVar:

NM_000046.5(ARSB):c.499G>C (p.Gly167Arg)

Gene: ARSB (arylsulfatase B; minus strand). Cytogenetic location: 5q14.1.
Variant type: single nucleotide variant.
Coding change: c.499G>C on transcript NM_000046.5 (MANE Select); coding-DNA position 499, G replaced by C.
Protein change: p.Gly167Arg; replaces glycine 167 with arginine.
Molecular consequence: missense variant.
Genome position (GRCh38, 1-based): chr5:78,969,006, C>G on the plus strand (G>C on the coding strand, the complement: ARSB is on the minus strand). VCF-style: chr5-78969006-C-G. GRCh37 (hg19) VCF-style: chr5-78264829-C-G.
Other names: c.499G>C (NM_000046.4); c.499G>C, p.Gly167Arg (NM_198709.3); short protein forms G167R.
Identifiers: ClinVar variation 2871031 (VCV002871031.5), dbSNP rs1554087999, ClinGen allele CA360193821.

ClinVar aggregate classification (germline): Conflicting classifications of pathogenicity. Review status: criteria provided, conflicting classifications (1 of 4 stars). 3 submissions from 3 submitters: Likely pathogenic (2); Uncertain significance (1). Last evaluated 2025-12-30.

Conditions:
Mucopolysaccharidosis type 6 (MPS6). Also called: MPS VI; MPS 6; Maroteaux Lamy syndrome; ARSB DEFICIENCY; ARYLSULFATASE B DEFICIENCY; N-ACETYLGALACTOSAMINE-4-SULFATASE DEFICIENCY. Identifiers: Orphanet 583, MedGen C0026709, MONDO:0009661, OMIM 253200.

Allele frequency attached by ClinVar (database versions not stated): gnomAD exomes below 0.00001.
gnomAD v4.1: 1 of 1,614,048 alleles (0.000062%); highest among the groups gnomAD compares: Non-Finnish European, 0.000085%; no homozygotes.

Submissions (3):

Natera, Inc.
Classification: Likely pathogenic for Mucopolysaccharidosis type VI. Last evaluated: 2025-12-30. Review status: criteria provided, single submitter. Criteria: Natera Variant Classification Schema (03/2026). Collection method: clinical testing. Allele origin: germline.
Comment: The c.499G>C variant in ARSB is a missense variant predicted to cause substitution of glycine to arginine at amino acid 167. This variant is rare in the general population with a frequency below the threshold expected for the associated phenotype(s). Another variant at this same site results in an alteration predicted to cause a similar molecular effect has been observed in individual(s) with the associated phenotype. Computational prediction algorithms indicate this variant is likely to affect gene or protein function. Given the available evidence, this variant is classified as Likely Pathogenic.

Women's Health and Genetics/Laboratory Corporation of America, LabCorp
Classification: Likely pathogenic for Mucopolysaccharidosis type 6. Last evaluated: 2025-12-10. Review status: criteria provided, single submitter. Criteria: LabCorp Variant Classification Summary - May 2015. Collection method: clinical testing. Allele origin: germline.
Comment: Variant summary: ARSB c.499G>C (p.Gly167Arg) results in a non-conservative amino acid change in the encoded protein sequence. Algorithms developed to predict the effect of missense changes on protein structure and function all suggest that this variant is likely to be disruptive. Consensus agreement among computation tools predict no significant impact on normal splicing. However, these predictions have yet to be confirmed by functional studies. The variant was absent in 251468 control chromosomes (gnomAD). c.499G>C has not been found in patients. However, another variant with the same amino acid effect (c.499G>A, p.Gly167Arg) has been has been observed in individuals affected with Mucopolysaccharidosis Type VI (Jurecka_2014, Zheng_2014). To our knowledge, no experimental evidence demonstrating an impact on protein function has been reported. The following publications have been ascertained in the context of this evaluation (PMID: 24373060, 25190157). ClinVar contains an entry for this variant (Variation ID: 2871031). Based on the evidence outlined above, the variant was classified as likely pathogenic.

Labcorp Genetics (formerly Invitae), Labcorp
Classification: Uncertain significance for Mucopolysaccharidosis type 6. Last evaluated: 2023-12-05. Review status: criteria provided, single submitter. Criteria: Invitae Variant Classification Sherloc (09022015). Collection method: clinical testing. Allele origin: germline.
Comment: This sequence change replaces glycine, which is neutral and non-polar, with arginine, which is basic and polar, at codon 167 of the ARSB protein (p.Gly167Arg). This variant also falls at the last nucleotide of exon 2, which is part of the consensus splice site for this exon. This variant is not present in population databases (gnomAD no frequency). This missense change has been observed in individual(s) with mucopolysaccharidosis type VI (PMID: 22133300, 25190157). An algorithm developed to predict the effect of missense changes on protein structure and function (PolyPhen-2) suggests that this variant is likely to be disruptive. Variants that disrupt the consensus splice site are a relatively common cause of aberrant splicing (PMID: 17576681, 9536098). Algorithms developed to predict the effect of sequence changes on RNA splicing suggest that this variant may disrupt the consensus splice site. In summary, the available evidence is currently insufficient to determine the role of this variant in disease. Therefore, it has been classified as a Variant of Uncertain Significance.

Literature cited by the submitters: PubMed 24373060 (cited by Women's Health and Genetics/Laboratory Corporation of America, LabCorp); PubMed 25190157 (cited by Women's Health and Genetics/Laboratory Corporation of America, LabCorp and Labcorp Genetics (formerly Invitae), Labcorp); PubMed 22133300 (cited by Labcorp Genetics (formerly Invitae), Labcorp); PubMed 17576681 (cited by Labcorp Genetics (formerly Invitae), Labcorp); PubMed 9536098 (cited by Labcorp Genetics (formerly Invitae), Labcorp).